The following is an entry in ClinVar:

NC_000015.9:g.(?_55611449)_(55722997_?)del

Genes: CCPG1 (cell cycle progression 1; minus strand), DNAAF4 (dynein axonemal assembly factor 4; minus strand), PIERCE2 (piercer of microtubule wall 2; plus strand), PIGB (phosphatidylinositol glycan anchor biosynthesis class B; plus strand). Cytogenetic location: 15q21.3.
Variant type: Deletion.
Identifiers: ClinVar variation 3243904 (VCV003243904.1).

ClinVar aggregate classification (germline): Likely pathogenic (1 of 4 stars; one submission).

Submission:

Labcorp Genetics (formerly Invitae), Labcorp
Classification: Likely pathogenic. Last evaluated: 2023-12-18. Review status: criteria provided, single submitter. Criteria: Invitae Variant Classification Sherloc (09022015). Collection method: clinical testing. Allele origin: unknown.
Comment: This variant is a gross deletion of the genomic region encompassing exon(s) 10 of the DNAAF4 gene, which includes the termination codon. This deletion extends beyond the assayed region for this gene and therefore may encompass additional genes. While this deletion is not anticipated to lead to nonsense mediated decay, it is expected to alter mRNA translation or result in a truncated protein product. A similar copy number variant has been observed in individual(s) with DNAAF4-related conditions (Invitae). In at least one individual the data is consistent with being in trans (on the opposite chromosome) from a pathogenic variant. This variant disrupts a region of the DNAAF4 protein in which other variant(s) (p.Gly385Asp) have been observed in individuals with DNAAF4-related conditions (Invitae). This suggests that this is a clinically significant region of the protein, and that variants that disrupt it are likely to be disease-causing. In summary, the currently available evidence indicates that the variant is pathogenic, but additional data are needed to prove that conclusively. Therefore, this variant has been classified as Likely Pathogenic.